The following is an entry in ClinVar:

ClinVar aggregate classification (germline): Uncertain significance. Review status: criteria provided, multiple submitters, no conflicts (2 of 4 stars). 4 submissions from 4 submitters: Uncertain significance (4). Last evaluated 2025-12-18.

Conditions:
MITF-related disorder. Also called: MITF-related condition.
Melanoma, cutaneous malignant, susceptibility to, 8. Also called: MELANOMA AND RENAL CELL CARCINOMA, SUSCEPTIBILITY TO; Cutaneous malignant melanoma 8. Identifiers: Orphanet 293822, MedGen C3152204, MONDO:0013759, OMIM 614456.
Waardenburg syndrome type 2A (WS2A). Also called: WAARDENBURG SYNDROME WITHOUT DYSTOPIA CANTHORUM. Identifiers: Orphanet 3440, MedGen C1860339, MONDO:0008671, OMIM 193510.
Tietz syndrome (TADS). Also called: HYPOPIGMENTATION/DEAFNESS OF TIETZ; TIETZ ALBINISM-DEAFNESS SYNDROME; ALBINISM-DEAFNESS OF TIETZ. Identifiers: Orphanet 42665, MedGen C0391816, MONDO:0007077, OMIM 103500.

Allele frequency attached by ClinVar (database versions not stated): ExAC 0.00002.
gnomAD v4.1: 37 of 1,613,900 alleles (0.0023%); highest among the groups gnomAD compares: South Asian, 0.011%; no homozygotes.

Submissions (4):

PreventionGenetics, part of Exact Sciences
Classification: Uncertain significance for MITF-related condition. Last evaluated: 2025-12-18. Review status: criteria provided, single submitter. Criteria: ACMG Guidelines, 2015. Collection method: clinical testing. Allele origin: germline.
Comment: The MITF c.1156G>A variant is predicted to result in the amino acid substitution p.Val386Ile. To our knowledge, this variant has not been reported in the literature. This variant is reported in 0.0054% of alleles in individuals of East Asian descent in gnomAD. At this time, the clinical significance of this variant is uncertain due to the absence of conclusive functional and genetic evidence.

Labcorp Genetics (formerly Invitae), Labcorp
Classification: Uncertain significance for Melanoma, cutaneous malignant, susceptibility to, 8; Waardenburg syndrome type 2A; Tietz syndrome. Last evaluated: 2025-11-09. Review status: criteria provided, single submitter. Criteria: Invitae Variant Classification Sherloc (09022015). Collection method: clinical testing. Allele origin: germline.
Comment: This sequence change replaces valine, which is neutral and non-polar, with isoleucine, which is neutral and non-polar, at codon 386 of the MITF protein (p.Val386Ile). This variant is present in population databases (rs756044021, gnomAD 0.006%). This variant has not been reported in the literature in individuals affected with MITF-related conditions. ClinVar contains an entry for this variant (Variation ID: 1306305). Invitae Evidence Modeling of protein sequence and biophysical properties (such as structural, functional, and spatial information, amino acid conservation, physicochemical variation, residue mobility, and thermodynamic stability) indicates that this missense variant is not expected to disrupt MITF protein function with a negative predictive value of 80%. In summary, the available evidence is currently insufficient to determine the role of this variant in disease. Therefore, it has been classified as a Variant of Uncertain Significance.

CeGaT Center for Human Genetics Tuebingen
Classification: Uncertain significance. Last evaluated: 2021-12-01. Review status: criteria provided, single submitter. Criteria: CeGaT Center For Human Genetics Tuebingen Variant Classification Criteria Version 2. Collection method: clinical testing. Allele origin: germline. Affected: yes. Observed: 1 variant allele.

GeneDx
Classification: Uncertain significance. Last evaluated: 2019-06-14. Review status: criteria provided, single submitter. Criteria: GeneDx Variant Classification Process June 2021. Collection method: clinical testing. Allele origin: germline. Affected: yes.
Comment: In silico analysis, which includes protein predictors and evolutionary conservation, supports that this variant does not alter protein structure/function; Has not been previously published as pathogenic or benign to our knowledge

NM_001354604.2(MITF):c.1477G>A (p.Val493Ile)

Gene: MITF (melanocyte inducing transcription factor; plus strand). Cytogenetic location: 3p13.
Variant type: single nucleotide variant.
Coding change: c.1477G>A on transcript NM_001354604.2 (MANE Select); coding-DNA position 1477, G replaced by A.
Protein change: p.Val493Ile; replaces valine 493 with isoleucine.
Molecular consequence: missense variant.
Genome position (GRCh38, 1-based): chr3:69,965,144, G>A. VCF-style: chr3-69965144-G-A. GRCh37 (hg19) VCF-style: chr3-70014295-G-A.
Other names: c.1156G>A, p.Val386Ile (NM_000248.4); c.1303G>A, p.Val435Ile (NM_001184967.2, NM_001354608.2); c.1474G>A, p.Val492Ile (NM_001354605.2); c.1456G>A, p.Val486Ile (NM_001354606.2, NM_006722.3); c.1408G>A, p.Val470Ile (NM_001354607.2); c.1138G>A, p.Val380Ile (NM_198158.3); c.1459G>A, p.Val487Ile (NM_198159.3); c.1411G>A, p.Val471Ile (NM_198177.3); and 1 more; short protein forms V324I, V380I, V386I, V435I, V470I, V471I, V486I, V487I.
Identifiers: ClinVar variation 1306305 (VCV001306305.41), dbSNP rs756044021, ClinGen allele CA2490680.
Genomic context (GRCh38, chr3:69,965,144, plus strand): 5'-GTCCCCACAAAAATGGGATCCAAACTGGAAGACATCCTGATGGACGACACCCTTTCTCCC[G>A]TCGGTGTCACTGATCCACTCCTTTCCTCAGTGTCCCCCGGAGCTTCCAAAACAAGCAGCC-3'
Protein context (NP_001341533.1, residues 483-503): DILMDDTLSP[Val493Ile]GVTDPLLSSV